The following is an entry in ClinVar:

NM_000038.6(APC):c.2234C>G (p.Pro745Arg)

Gene: APC (APC regulator of Wnt signaling pathway; plus strand). Cytogenetic location: 5q22.2.
Variant type: single nucleotide variant.
Coding change: c.2234C>G on transcript NM_000038.6 (MANE Select); coding-DNA position 2234, C replaced by G.
Protein change: p.Pro745Arg; replaces proline 745 with arginine.
Molecular consequence: missense variant.
Genome position (GRCh38, 1-based): chr5:112,837,828, C>G. VCF-style: chr5-112837828-C-G. GRCh37 (hg19) VCF-style: chr5-112173525-C-G.
Other names: c.2234C>G, p.Pro745Arg (NM_001127510.3, NM_001354895.2); c.2180C>G, p.Pro727Arg (NM_001127511.3); c.2288C>G, p.Pro763Arg (NM_001354896.2); c.2264C>G, p.Pro755Arg (NM_001354897.2); c.2159C>G, p.Pro720Arg (NM_001354898.2); c.2150C>G, p.Pro717Arg (NM_001354899.2); c.2111C>G, p.Pro704Arg (NM_001354900.2); c.2057C>G, p.Pro686Arg (NM_001354901.2); and 5 more; short protein forms P619R, P644R, P704R, P717R, P720R, P585R, P654R, P727R.
Identifiers: ClinVar variation 1472753 (VCV001472753.6), dbSNP rs2149864004, ClinGen allele CA16026229.

ClinVar aggregate classification (germline): Uncertain significance (1 of 4 stars; one submission).

Conditions:
Familial adenomatous polyposis 1 (FAP1). Also called: FAMILIAL ADENOMATOUS POLYPOSIS 1, ATTENUATED; POLYPOSIS, ADENOMATOUS INTESTINAL. Identifiers: MedGen C2713442, MONDO:0021056, OMIM 175100. Disease mechanism: loss of function.

Submission:

Labcorp Genetics (formerly Invitae), Labcorp
Classification: Uncertain significance for Familial adenomatous polyposis 1. Last evaluated: 2023-11-15. Review status: criteria provided, single submitter. Criteria: Invitae Variant Classification Sherloc (09022015). Collection method: clinical testing. Allele origin: germline.
Comment: This sequence change replaces proline, which is neutral and non-polar, with arginine, which is basic and polar, at codon 745 of the APC protein (p.Pro745Arg). This variant is not present in population databases (gnomAD no frequency). This variant has not been reported in the literature in individuals affected with APC-related conditions. ClinVar contains an entry for this variant (Variation ID: 1472753). Advanced modeling of protein sequence and biophysical properties (such as structural, functional, and spatial information, amino acid conservation, physicochemical variation, residue mobility, and thermodynamic stability) performed at Invitae indicates that this missense variant is not expected to disrupt APC protein function with a negative predictive value of 95%. In summary, the available evidence is currently insufficient to determine the role of this variant in disease. Therefore, it has been classified as a Variant of Uncertain Significance.